The following is an entry in ClinVar:

ClinVar aggregate classification (germline): Conflicting classifications of pathogenicity. Review status: criteria provided, conflicting classifications (1 of 4 stars). 2 submissions from 2 submitters: Uncertain significance (1); Likely benign (1). Last evaluated 2025-09-26.

Conditions:
Hereditary cancer-predisposing syndrome. Also called: Hereditary Cancer Syndrome; Hereditary neoplastic syndrome; Tumor predisposition; Neoplastic Syndromes, Hereditary. Identifiers: Orphanet 140162, MedGen C0027672, MeSH D009386, MONDO:0015356.
Birt-Hogg-Dube syndrome. Also called: Birt Hogg Dubé syndrome. Identifiers: Orphanet 122, MedGen C0346010, MONDO:0800444.

Allele frequency attached by ClinVar (database versions not stated): TOPMed below 0.00001; ExAC 0.00001; gnomAD exomes 0.00001.
gnomAD v4.1: 2 of 1,614,174 alleles (0.00012%); highest among the groups gnomAD compares: Admixed American, 0.0033%; no homozygotes.

Submissions (2):

Labcorp Genetics (formerly Invitae), Labcorp
Classification: Uncertain significance for Birt-Hogg-Dube syndrome. Last evaluated: 2025-09-26. Review status: criteria provided, single submitter. Criteria: Invitae Variant Classification Sherloc (09022015). Collection method: clinical testing. Allele origin: germline.
Comment: This sequence change replaces proline, which is neutral and non-polar, with glutamine, which is neutral and polar, at codon 314 of the FLCN protein (p.Pro314Gln). This variant is present in population databases (rs747467294, gnomAD 0.006%). This variant has not been reported in the literature in individuals affected with FLCN-related conditions. ClinVar contains an entry for this variant (Variation ID: 1352848). Invitae Evidence Modeling of protein sequence and biophysical properties (such as structural, functional, and spatial information, amino acid conservation, physicochemical variation, residue mobility, and thermodynamic stability) indicates that this missense variant is not expected to disrupt FLCN protein function with a negative predictive value of 80%. In summary, the available evidence is currently insufficient to determine the role of this variant in disease. Therefore, it has been classified as a Variant of Uncertain Significance.

Ambry Genetics
Classification: Likely benign for Hereditary cancer-predisposing syndrome. Last evaluated: 2023-09-29. Review status: criteria provided, single submitter. Criteria: Ambry Variant Classification Scheme 2023. Collection method: clinical testing. Allele origin: germline.

NM_144997.7(FLCN):c.941C>A (p.Pro314Gln)

Gene: FLCN (folliculin; minus strand). Cytogenetic location: 17p11.2.
Variant type: single nucleotide variant.
Coding change: c.941C>A on transcript NM_144997.7 (MANE Select); coding-DNA position 941, C replaced by A.
Protein change: p.Pro314Gln; replaces proline 314 with glutamine.
Molecular consequence: missense variant.
Genome position (GRCh38, 1-based): chr17:17,219,140, G>T on the plus strand (C>A on the coding strand, the complement: FLCN is on the minus strand). VCF-style: chr17-17219140-G-T. GRCh37 (hg19) VCF-style: chr17-17122454-G-T.
Other names: c.995C>A, p.Pro332Gln (NM_001353229.2); c.941C>A, p.Pro314Gln (NM_001353230.2, NM_001353231.2); short protein forms P332Q, P314Q.
Identifiers: ClinVar variation 1352848 (VCV001352848.10), dbSNP rs747467294, ClinGen allele CA8416191.